The following is an entry in ClinVar:

NM_001174147.2(LMX1B):c.820-13_820-3del

Gene: LMX1B (LIM homeobox transcription factor 1 beta; plus strand). Cytogenetic location: 9q33.3.
Variant type: Deletion.
Coding change: c.820-13_820-3del on transcript NM_001174147.2 (MANE Select); 13 bases into the intron before coding-DNA position 820 through 3 bases into the intron before coding-DNA position 820, 11 bases deleted (GCTCTCCCTGC).
Molecular consequence: intron variant.
Genome position (GRCh38, 1-based): chr9:126,693,733-126,693,743, GCTCTCCCTGC deleted; deleting any 11 consecutive bases within chr9:126,693,729-126,693,743 gives the same sequence; the c. name uses the placement nearest the transcript's 3' end. VCF-style (leftmost placement, unchanged base first): chr9-126693728-ACTGCGCTCTCC-A. GRCh37 (hg19) VCF-style: chr9-129456007-ACTGCGCTCTCC-A.
Other names: c.820-13_820-3del (NM_001174146.2, NM_002316.4).
Identifiers: ClinVar variation 3729339 (VCV003729339.2).
Genomic context (GRCh38, chr9:126,693,728, plus strand): 5'-CTACGGTCCAGGGGGCGTGGGGCTGGCTGTGCCTGGGGGCGAGGGGCAGCACCGGCCTGA[ACTGCGCTCTCC>A]CTGCAGATGAAGAAGCTGGCGCGGCGGCACCAGCAGCAGCAGGAGCAGCAGAACTCCCAG-3'

ClinVar aggregate classification (germline): Uncertain significance (1 of 4 stars; one submission).

Submission:

Labcorp Genetics (formerly Invitae), Labcorp
Classification: Uncertain significance. Last evaluated: 2025-02-27. Review status: criteria provided, single submitter. Criteria: Invitae Variant Classification Sherloc (09022015). Collection method: clinical testing. Allele origin: germline.
Comment: This sequence change falls in intron 5 of the LMX1B gene. It does not directly change the encoded amino acid sequence of the LMX1B protein. This variant is not present in population databases (gnomAD no frequency). This variant has been observed in individual(s) with clinical features of nail-patella syndrome (internal data). Algorithms developed to predict the effect of sequence changes on RNA splicing suggest that this variant may disrupt the consensus splice site. In summary, the available evidence is currently insufficient to determine the role of this variant in disease. Therefore, it has been classified as a Variant of Uncertain Significance.